The following is an entry in ClinVar:

NM_000245.4(MET):c.4061C>A (p.Ala1354Asp)

Gene: MET (MET proto-oncogene, receptor tyrosine kinase; plus strand). Cytogenetic location: 7q31.2.
Variant type: single nucleotide variant.
Coding change: c.4061C>A on transcript NM_000245.4 (MANE Select); coding-DNA position 4061, C replaced by A.
Protein change: p.Ala1354Asp; replaces alanine 1354 with aspartic acid.
Molecular consequence: missense variant.
Genome position (GRCh38, 1-based): chr7:116,796,012, C>A. VCF-style: chr7-116796012-C-A. GRCh37 (hg19) VCF-style: chr7-116436066-C-A.
Other names: c.4115C>A, p.Ala1372Asp (NM_001127500.3); c.2771C>A, p.Ala924Asp (NM_001324402.2); short protein forms A1372D, A1354D, A924D.
Identifiers: ClinVar variation 4053983 (VCV004053983.1).

ClinVar aggregate classification (germline): Uncertain significance (1 of 4 stars; one submission).

Conditions:
Hereditary cancer-predisposing syndrome. Also called: Neoplastic Syndromes, Hereditary; Tumor predisposition; Hereditary neoplastic syndrome; Hereditary Cancer Syndrome. Identifiers: Orphanet 140162, MedGen C0027672, MeSH D009386, MONDO:0015356.

Submission:

Ambry Genetics
Classification: Uncertain significance for Hereditary cancer-predisposing syndrome. Last evaluated: 2025-06-03. Review status: criteria provided, single submitter. Criteria: Ambry Variant Classification Scheme 2023. Collection method: clinical testing. Allele origin: germline.
Comment: The p.A1372D variant (also known as c.4115C>A), located in coding exon 20 of the MET gene, results from a C to A substitution at nucleotide position 4115. The alanine at codon 1372 is replaced by aspartic acid, an amino acid with dissimilar properties. This amino acid position is conserved. In addition, the in silico prediction for this alteration is inconclusive. Based on the available evidence, the clinical significance of this variant remains unclear.